The following is an entry in ClinVar:

ClinVar aggregate classification (germline): Uncertain significance (1 of 4 stars; one submission).

Allele frequency attached by ClinVar (database versions not stated): ExAC 0.00005; 1000 Genomes Project 30x 0.00016; gnomAD exomes 0.00001; 1000 Genomes Project 0.00020.
gnomAD v4.1: 2 of 1,551,436 alleles (0.00013%); highest among the groups gnomAD compares: African/African-American, 0.0014%; no homozygotes.

Submission:

Labcorp Genetics (formerly Invitae), Labcorp
Classification: Uncertain significance. Last evaluated: 2022-08-31. Review status: criteria provided, single submitter. Criteria: Invitae Variant Classification Sherloc (09022015). Collection method: clinical testing. Allele origin: germline.
Comment: This sequence change replaces valine, which is neutral and non-polar, with leucine, which is neutral and non-polar, at codon 2448 of the UNC80 protein (p.Val2448Leu). This variant is present in population databases (rs190052898, gnomAD 0.01%). This variant has not been reported in the literature in individuals affected with UNC80-related conditions. ClinVar contains an entry for this variant (Variation ID: 1351686). Algorithms developed to predict the effect of missense changes on protein structure and function are either unavailable or do not agree on the potential impact of this missense change (SIFT: "Not Available"; PolyPhen-2: "Benign"; Align-GVGD: "Not Available"). In summary, the available evidence is currently insufficient to determine the role of this variant in disease. Therefore, it has been classified as a Variant of Uncertain Significance.

NM_001371986.1(UNC80):c.7540G>T (p.Val2514Leu)

Gene: UNC80 (unc-80 homolog, NALCN channel complex subunit; plus strand). Cytogenetic location: 2q34.
Variant type: single nucleotide variant.
Coding change: c.7540G>T on transcript NM_001371986.1 (MANE Select); coding-DNA position 7540, G replaced by T.
Protein change: p.Val2514Leu; replaces valine 2514 with leucine.
Molecular consequence: missense variant.
Genome position (GRCh38, 1-based): chr2:209,957,726, G>T. VCF-style: chr2-209957726-G-T. GRCh37 (hg19) VCF-style: chr2-210822450-G-T.
Other names: c.7342G>T, p.Val2448Leu (NM_032504.2); c.7327G>T, p.Val2443Leu (NM_182587.4); short protein forms V2448L, V2514L, V2443L.
Identifiers: ClinVar variation 1351686 (VCV001351686.5), dbSNP rs190052898, ClinGen allele CA2083479.